The following is an entry in ClinVar:

ClinVar aggregate classification (germline): Uncertain significance (1 of 4 stars; one submission).

Conditions:
Early-infantile DEE. Also called: Early infantile epileptic encephalopathy; Ohtahara syndrome; Early infantile epileptic encephalopathy with suppression bursts. Identifiers: Orphanet 1934, MedGen C0393706, MONDO:0800491.

Allele frequency attached by ClinVar (database versions not stated): gnomAD exomes below 0.00001.
gnomAD v4.1: 1 of 1,592,928 alleles (0.000063%); highest among the groups gnomAD compares: Non-Finnish European, 0.000086%; no homozygotes.

Submission:

Labcorp Genetics (formerly Invitae), Labcorp
Classification: Uncertain significance for Early-infantile DEE. Last evaluated: 2021-02-12. Review status: criteria provided, single submitter. Criteria: Invitae Variant Classification Sherloc (09022015). Collection method: clinical testing. Allele origin: germline.
Comment: In summary, the available evidence is currently insufficient to determine the role of this variant in disease. Therefore, it has been classified as a Variant of Uncertain Significance. Algorithms developed to predict the effect of missense changes on protein structure and function (SIFT, PolyPhen-2, Align-GVGD) all suggest that this variant is likely to be tolerated, but these predictions have not been confirmed by published functional studies and their clinical significance is uncertain. This variant has not been reported in the literature in individuals with SCN1A-related conditions. This variant is not present in population databases (ExAC no frequency). This sequence change replaces tyrosine with asparagine at codon 323 of the SCN1A protein (p.Tyr323Asn). The tyrosine residue is highly conserved and there is a large physicochemical difference between tyrosine and asparagine.

NM_001165963.4(SCN1A):c.967T>A (p.Tyr323Asn)

Gene: SCN1A (sodium voltage-gated channel alpha subunit 1; minus strand). Cytogenetic location: 2q24.3.
Variant type: single nucleotide variant.
Coding change: c.967T>A on transcript NM_001165963.4 (MANE Select); coding-DNA position 967, T replaced by A.
Protein change: p.Tyr323Asn; replaces tyrosine 323 with asparagine.
Molecular consequence: missense variant. On other transcripts: 5 prime UTR variant (1), non-coding transcript variant (1).
Genome position (GRCh38, 1-based): chr2:166,048,947, A>T on the plus strand (T>A on the coding strand, the complement: SCN1A is on the minus strand). VCF-style: chr2-166048947-A-T. GRCh37 (hg19) VCF-style: chr2-166905457-A-T.
Other names: c.967T>A, p.Tyr323Asn (NM_001165964.3, NM_001202435.3, NM_001353948.2 and 10 more transcripts); c.-1459T>A (NM_001353961.2); short protein forms Y323N.
Identifiers: ClinVar variation 1437638 (VCV001437638.9), dbSNP rs2105874638, ClinGen allele CA349071805.